The following is an entry in ClinVar:

ClinVar aggregate classification (germline): Likely benign (1 of 4 stars; one submission).

Submission:

CeGaT Center for Human Genetics Tuebingen
Classification: Likely benign. Last evaluated: 2026-07-01. Review status: criteria provided, single submitter. Criteria: CeGaT Center For Human Genetics Tuebingen Variant Classification Criteria Version 2. Collection method: clinical testing. Allele origin: germline. Affected: yes. Observed: 1 variant allele.
Comment: DOCK10: PM2:Supporting, BP4, BP7

NM_014689.3(DOCK10):c.2928A>G (p.Lys976=)

Gene: DOCK10 (dedicator of cytokinesis 10; minus strand). Cytogenetic location: 2q36.2.
Variant type: single nucleotide variant.
Coding change: c.2928A>G on transcript NM_014689.3 (MANE Select); coding-DNA position 2928, A replaced by G.
Protein change: p.Lys976=; no amino-acid change (lysine 976 retained).
Molecular consequence: synonymous variant.
Genome position (GRCh38, 1-based): chr2:224,834,186, T>C on the plus strand (A>G on the coding strand, the complement: DOCK10 is on the minus strand). VCF-style: chr2-224834186-T-C. GRCh37 (hg19) VCF-style: chr2-225698903-T-C.
Other names: c.2910A>G, p.Lys970= (NM_001290263.2); c.2967A>G, p.Lys989= (NM_001363762.1).
Identifiers: ClinVar variation 5039960 (VCV005039960.1).
Genomic context (GRCh38, chr2:224,834,186, plus strand): 5'-AAAGGACCATCTTTAAATTCTTACCTTTAGGACATGCTTTACTGTTGTTGAGTCATTTGA[T>C]TTCAAAAGACCAGTCACATTTTTAGCCAGTTCCTCATGTACAGTCCTCTCCTTGCATGCC-3'
Protein context (NP_055504.2, residues 966-986): ELAKNVTGLL[Lys976=]SNDSTTVKHV